The following is an entry in ClinVar:

NM_002439.5(MSH3):c.3191C>T (p.Ala1064Val)

Gene: MSH3 (mutS homolog 3; plus strand). Cytogenetic location: 5q14.1.
Variant type: single nucleotide variant.
Coding change: c.3191C>T on transcript NM_002439.5 (MANE Select); coding-DNA position 3191, C replaced by T.
Protein change: p.Ala1064Val; replaces alanine 1064 with valine.
Molecular consequence: missense variant.
Genome position (GRCh38, 1-based): chr5:80,873,176, C>T. VCF-style: chr5-80873176-C-T. GRCh37 (hg19) VCF-style: chr5-80168995-C-T.
Other names: short protein forms A1064V.
Identifiers: ClinVar variation 849593 (VCV000849593.17), dbSNP rs1354644574, ClinGen allele CA360346910.

ClinVar aggregate classification (germline): Uncertain significance. Review status: criteria provided, multiple submitters, no conflicts (2 of 4 stars). 5 submissions from 5 submitters: Uncertain significance (5). Last evaluated 2026-01-06.

Conditions:
Hereditary cancer-predisposing syndrome. Also called: Tumor predisposition; Neoplastic Syndromes, Hereditary; Hereditary neoplastic syndrome; Hereditary Cancer Syndrome. Identifiers: Orphanet 140162, MedGen C0027672, MeSH D009386, MONDO:0015356.
Endometrial carcinoma. Also called: Endometrial carcinoma, somatic. Identifiers: MedGen C0476089, MONDO:0002447, OMIM 608089, HP:0012114.

Allele frequency attached by ClinVar (database versions not stated): gnomAD exomes below 0.00001 and 0.00001; TOPMed below 0.00001; gnomAD 0.00001.
gnomAD v4.1: 19 of 1,613,528 alleles (0.0012%); highest among the groups gnomAD compares: Admixed American, 0.0017%; no homozygotes.

Submissions (5):

Labcorp Genetics (formerly Invitae), Labcorp
Classification: Uncertain significance. Last evaluated: 2026-01-06. Review status: criteria provided, single submitter. Criteria: Invitae Variant Classification Sherloc (09022015). Collection method: clinical testing. Allele origin: germline.
Comment: This sequence change replaces alanine, which is neutral and non-polar, with valine, which is neutral and non-polar, at codon 1064 of the MSH3 protein (p.Ala1064Val). This variant is present in population databases (no rsID available, gnomAD 0.0009%). This variant has not been reported in the literature in individuals affected with MSH3-related conditions. ClinVar contains an entry for this variant (Variation ID: 849593). An algorithm developed to predict the effect of missense changes on protein structure and function (PolyPhen-2) suggests that this variant is likely to be disruptive. In summary, the available evidence is currently insufficient to determine the role of this variant in disease. Therefore, it has been classified as a Variant of Uncertain Significance.

Center for Genomic Medicine, Rigshospitalet, Copenhagen University Hospital
Classification: Uncertain significance. Last evaluated: 2025-12-29. Review status: criteria provided, single submitter. Criteria: ACMG Guidelines, 2015. Collection method: clinical testing. Allele origin: germline.

Ambry Genetics
Classification: Uncertain significance for Hereditary cancer-predisposing syndrome. Last evaluated: 2025-06-10. Review status: criteria provided, single submitter. Criteria: Ambry Variant Classification Scheme 2023. Collection method: clinical testing. Allele origin: germline.
Comment: The p.A1064V variant (also known as c.3191C>T), located in coding exon 23 of the MSH3 gene, results from a C to T substitution at nucleotide position 3191. The alanine at codon 1064 is replaced by valine, an amino acid with similar properties. This amino acid position is well conserved in available vertebrate species. In addition, this alteration is predicted to be deleterious by in silico analysis. Based on the available evidence, the clinical significance of this variant remains unclear.

Baylor Genetics
Classification: Uncertain significance for Endometrial carcinoma. Last evaluated: 2023-07-29. Review status: criteria provided, single submitter. Criteria: ACMG Guidelines, 2015. Collection method: clinical testing. Allele origin: unknown.

Quest Diagnostics Nichols Institute San Juan Capistrano
Classification: Uncertain significance. Last evaluated: 2022-12-13. Review status: criteria provided, single submitter. Criteria: Quest Diagnostics criteria. Collection method: clinical testing. Allele origin: unknown.
Comment: The variant has not been reported in the published literature. The frequency of this variant in the general population, 0.000004 (1/251166 chromosomes), is uninformative in assessment of its pathogenicity. Analysis of this variant using bioinformatics tools for the prediction of the effect of amino acid changes on protein structure and function yielded conflicting predictions that this variant is benign or damaging. Based on the available information, we are unable to determine the clinical significance of this variant.